The following is an entry in ClinVar:

ClinVar aggregate classification (germline): Uncertain significance (1 of 4 stars; one submission).

Allele frequency attached by ClinVar (database versions not stated): gnomAD 0.00001; TOPMed 0.00001.
gnomAD v4.1: 2 of 1,610,796 alleles (0.00012%); highest among the groups gnomAD compares: African/African-American, 0.0027%; no homozygotes.

Submission:

Labcorp Genetics (formerly Invitae), Labcorp
Classification: Uncertain significance. Last evaluated: 2025-11-24. Review status: criteria provided, single submitter. Criteria: Invitae Variant Classification Sherloc (09022015). Collection method: clinical testing. Allele origin: germline.
Comment: This sequence change replaces glycine, which is neutral and non-polar, with valine, which is neutral and non-polar, at codon 545 of the TNNI3K protein (p.Gly545Val). This variant is not present in population databases (gnomAD no frequency). This variant has not been reported in the literature in individuals affected with TNNI3K-related conditions. ClinVar contains an entry for this variant (Variation ID: 1366663). Invitae Evidence Modeling of protein sequence and biophysical properties (such as structural, functional, and spatial information, amino acid conservation, physicochemical variation, residue mobility, and thermodynamic stability) indicates that this missense variant is expected to disrupt TNNI3K protein function with a positive predictive value of 80%. In summary, the available evidence is currently insufficient to determine the role of this variant in disease. Therefore, it has been classified as a Variant of Uncertain Significance.

NM_015978.3(TNNI3K):c.1634G>T (p.Gly545Val)

Genes: FPGT-TNNI3K (FPGT-TNNI3K readthrough; plus strand), TNNI3K (TNNI3 interacting kinase; plus strand). Cytogenetic location: 1p31.1.
Variant type: single nucleotide variant.
Coding change: c.1634G>T on transcript NM_015978.3 (MANE Select); coding-DNA position 1634, G replaced by T.
Protein change: p.Gly545Val; replaces glycine 545 with valine.
Molecular consequence: missense variant.
Genome position (GRCh38, 1-based): chr1:74,369,552, G>T. VCF-style: chr1-74369552-G-T. GRCh37 (hg19) VCF-style: chr1-74835236-G-T.
Other names: c.1937G>T, p.Gly646Val (NM_001112808.3, NM_001199327.2); short protein forms G646V, G545V.
Identifiers: ClinVar variation 1366663 (VCV001366663.6), dbSNP rs1317738770, ClinGen allele CA340786400.
Genomic context (GRCh38, chr1:74,369,552, plus strand): 5'-TGGGTGCTTGCTTGAATGATCCCAGCCAGTTTGCCATTGTCACTCAATACATATCAGGGG[G>T]TTCTCTGTTCTCCCTCCTTCATGAGCAGAAGAGGTATGGGTCTTTTGTTCTGATTTATCC-3'
Protein context (NP_057062.1, residues 535-555): FAIVTQYISG[Gly545Val]SLFSLLHEQK